The following is an entry in ClinVar:

ClinVar aggregate classification (germline): Likely benign (0 of 4 stars; one submission).

Conditions:
SEMA6D-related disorder. Also called: SEMA6D-related condition.

Allele frequency attached by ClinVar (database versions not stated): gnomAD exomes 0.00002; gnomAD 0.00003; TOPMed 0.00003.
gnomAD v4.1: 34 of 1,613,968 alleles (0.0021%); highest among the groups gnomAD compares: African/African-American, 0.0067%; no homozygotes.

Submission:

PreventionGenetics, part of Exact Sciences
Classification: Likely benign for SEMA6D-related condition. Last evaluated: 2019-04-30. Review status: no assertion criteria provided. Collection method: clinical testing. Allele origin: germline.
Comment: This variant is classified as likely benign based on ACMG/AMP sequence variant interpretation guidelines (Richards et al. 2015 PMID: 25741868, with internal and published modifications).

NM_001358351.3(SEMA6D):c.2334C>T (p.Pro778=)

Gene: SEMA6D (semaphorin 6D; plus strand). Cytogenetic location: 15q21.1.
Variant type: single nucleotide variant.
Coding change: c.2334C>T on transcript NM_001358351.3 (MANE Select); coding-DNA position 2334, C replaced by T.
Protein change: p.Pro778=; no amino-acid change (proline 778 retained).
Molecular consequence: synonymous variant. On other transcripts: 3 prime UTR variant (1).
Genome position (GRCh38, 1-based): chr15:47,770,897, C>T. VCF-style: chr15-47770897-C-T. GRCh37 (hg19) VCF-style: chr15-48063094-C-T.
Other names: c.2148C>T, p.Pro716= (NM_001198999.2, NM_020858.2); c.2373C>T, p.Pro791= (NM_001358352.2); c.2109C>T, p.Pro703= (NM_153616.2); c.2166C>T, p.Pro722= (NM_153617.2); c.2334C>T, p.Pro778= (NM_153618.2); c.*350C>T (NM_153619.1).
Identifiers: ClinVar variation 3057117 (VCV003057117.2), dbSNP rs1032903357, ClinGen allele CA269454097.